The following is an entry in ClinVar:

ClinVar aggregate classification (germline): Uncertain significance. Review status: criteria provided, multiple submitters, no conflicts (2 of 4 stars). 6 submissions from 6 submitters: Uncertain significance (6). Last evaluated 2023-08-10.

Conditions:
Charcot-Marie-Tooth disease recessive intermediate C. Also called: CHARCOT-MARIE-TOOTH NEUROPATHY, RECESSIVE INTERMEDIATE C. Identifiers: Orphanet 369867, MedGen C3809309, MONDO:0014154, OMIM 615376.
Neuronopathy, distal hereditary motor, autosomal recessive 4. Also called: Autosomal recessive lower motor neuron disease with childhood onset; NEUROPATHY, DISTAL HEREDITARY MOTOR, AUTOSOMAL RECESSIVE 4. Identifiers: Orphanet 206580, MedGen C1970211, MONDO:0012608, OMIM 611067.

Allele frequency attached by ClinVar (database versions not stated): gnomAD 0.00002; TOPMed 0.00002; ExAC 0.00004; gnomAD exomes 0.00001.
gnomAD v4.1: 20 of 1,562,712 alleles (0.0013%); highest among the groups gnomAD compares: Middle Eastern, 0.12%; no homozygotes.

Submissions (6):

Revvity Omics, Revvity
Classification: Uncertain significance. Last evaluated: 2023-08-10. Review status: criteria provided, single submitter. Criteria: ACMG Guidelines, 2015. Collection method: clinical testing. Allele origin: germline.

Labcorp Genetics (formerly Invitae), Labcorp
Classification: Uncertain significance for Neuronopathy, distal hereditary motor, autosomal recessive 4; Charcot-Marie-Tooth disease recessive intermediate C. Last evaluated: 2021-09-01. Review status: criteria provided, single submitter. Criteria: Invitae Variant Classification Sherloc (09022015). Collection method: clinical testing. Allele origin: germline.
Comment: This sequence change replaces arginine with lysine at codon 956 of the PLEKHG5 protein (p.Arg956Lys). The arginine residue is weakly conserved and there is a small physicochemical difference between arginine and lysine. This variant is present in population databases (rs773530688, ExAC 0.1%). This variant has not been reported in the literature in individuals affected with PLEKHG5-related conditions. ClinVar contains an entry for this variant (Variation ID: 195526). Algorithms developed to predict the effect of missense changes on protein structure and function (SIFT, PolyPhen-2, Align-GVGD) all suggest that this variant is likely to be tolerated. In summary, the available evidence is currently insufficient to determine the role of this variant in disease. Therefore, it has been classified as a Variant of Uncertain Significance.

Illumina Laboratory Services, Illumina
Classification: Uncertain significance for Neuronopathy, distal hereditary motor, autosomal recessive 4. Last evaluated: 2018-01-12. Review status: criteria provided, single submitter. Criteria: ICSL Variant Classification Criteria 13 December 2019. Collection method: clinical testing. Allele origin: germline.

GeneDx
Classification: Uncertain significance. Last evaluated: 2017-06-20. Review status: criteria provided, single submitter. Criteria: GeneDx Variant Classification (06012015). Collection method: clinical testing. Allele origin: germline. Affected: yes.
Comment: A variant of uncertain significance has been identified in the PLEKHG5 gene. The R956K variant has not been published as a pathogenic variant, nor has it been reported as a benign variant to our knowledge. The R956K variant is not observed at a significant frequency in large population cohorts (Lek et al., 2016; 1000 Genomes Consortium et al., 2015; Exome Variant Server). The R956K variant is a conservative amino acid substitution, which is not likely to impact secondary protein structure as these residues share similar propertiess. This substitution occurs at a position that is not conserved, and in silico analysis predicts this variant likely does not alter the protein structure/function. Therefore, based on the currently available information, it is unclear whether this variant is a pathogenic variant or a rare benign variant.

Eurofins Ntd Llc (ga)
Classification: Uncertain significance. Last evaluated: 2015-02-13. Review status: criteria provided, single submitter. Criteria: EGL Classification Definitions 2015. Collection method: clinical testing. Allele origin: germline. Observed: 1 variant allele, 1 heterozygote.

Breakthrough Genomics
Classification: Uncertain significance. Review status: criteria provided, single submitter. Criteria: ACMG Guidelines, 2015. Collection method: not provided. Allele origin: germline. Inheritance: Autosomal recessive inheritance. Affected: yes.

NM_020631.6(PLEKHG5):c.2867G>A (p.Arg956Lys)

Gene: PLEKHG5 (pleckstrin homology and RhoGEF domain containing G5; minus strand). Cytogenetic location: 1p36.31.
Variant type: single nucleotide variant.
Coding change: c.2867G>A on transcript NM_020631.6 (MANE Select); coding-DNA position 2867, G replaced by A.
Protein change: p.Arg956Lys; replaces arginine 956 with lysine.
Molecular consequence: missense variant. On other transcripts: intron variant (1).
Genome position (GRCh38, 1-based): chr1:6,467,969, C>T on the plus strand (G>A on the coding strand, the complement: PLEKHG5 is on the minus strand). VCF-style: chr1-6467969-C-T. GRCh37 (hg19) VCF-style: chr1-6528029-C-T.
Other names: c.2867G>A (NM_020631.5); c.2978G>A, p.Arg993Lys (NM_001042663.3, NM_001265592.2); c.2867G>A, p.Arg956Lys (NM_001042664.2, NM_001042665.2, NM_198681.4); c.3074G>A, p.Arg1025Lys (NM_001265593.2); c.2738-71G>A (NM_001265594.3); short protein forms R956K, R1025K, R993K.
Identifiers: ClinVar variation 195526 (VCV000195526.20), dbSNP rs773530688, ClinGen allele CA241974.